The following is an entry in ClinVar:

NM_006059.4(LAMC3):c.110C>T (p.Pro37Leu)

Gene: LAMC3 (laminin subunit gamma 3; plus strand). Cytogenetic location: 9q34.12.
Variant type: single nucleotide variant.
Coding change: c.110C>T on transcript NM_006059.4 (MANE Select); coding-DNA position 110, C replaced by T.
Protein change: p.Pro37Leu; replaces proline 37 with leucine.
Molecular consequence: missense variant.
Genome position (GRCh38, 1-based): chr9:131,009,324, C>T. VCF-style: chr9-131009324-C-T. GRCh37 (hg19) VCF-style: chr9-133884711-C-T.
Other names: short protein forms P37L.
Identifiers: ClinVar variation 1426428 (VCV001426428.6), dbSNP rs1833360323, ClinGen allele CA375250395.
Genomic context (GRCh38, chr9:131,009,324, plus strand): 5'-CGGCCGGCGCGGGCATGGGCGCGTGCTATGACGGCGCAGGGCGCCCGCAGCGCTGCCTGC[C>T]GGTGTTCGAGAACGCGGCGTTTGGGCGGCTCGCCCAGGCCTCGCACACGTGCGGCAGCCC-3'
Protein context (NP_006050.3, residues 27-47): DGAGRPQRCL[Pro37Leu]VFENAAFGRL

ClinVar aggregate classification (germline): Uncertain significance (1 of 4 stars; one submission).

Allele frequency attached by ClinVar (database versions not stated): gnomAD exomes below 0.00001; gnomAD 0.00001.
gnomAD v4.1: 5 of 1,479,684 alleles (0.00034%); highest among the groups gnomAD compares: Admixed American, 0.0023%; no homozygotes.

Submission:

Labcorp Genetics (formerly Invitae), Labcorp
Classification: Uncertain significance. Last evaluated: 2021-11-16. Review status: criteria provided, single submitter. Criteria: Invitae Variant Classification Sherloc (09022015). Collection method: clinical testing. Allele origin: germline.
Comment: In summary, the available evidence is currently insufficient to determine the role of this variant in disease. Therefore, it has been classified as a Variant of Uncertain Significance. Algorithms developed to predict the effect of missense changes on protein structure and function are either unavailable or do not agree on the potential impact of this missense change (SIFT: "Deleterious"; PolyPhen-2: "Probably Damaging"; Align-GVGD: "Class C0"). This variant has not been reported in the literature in individuals affected with LAMC3-related conditions. This variant is not present in population databases (gnomAD no frequency). This sequence change replaces proline, which is neutral and non-polar, with leucine, which is neutral and non-polar, at codon 37 of the LAMC3 protein (p.Pro37Leu).